The following is an entry in ClinVar:

NM_002432.3(MNDA):c.983A>G (p.Gln328Arg)

Gene: MNDA (myeloid cell nuclear differentiation antigen; plus strand). Cytogenetic location: 1q23.1.
Variant type: single nucleotide variant.
Coding change: c.983A>G on transcript NM_002432.3 (MANE Select); coding-DNA position 983, A replaced by G.
Protein change: p.Gln328Arg; replaces glutamine 328 with arginine.
Molecular consequence: missense variant.
Genome position (GRCh38, 1-based): chr1:158,845,999, A>G. VCF-style: chr1-158845999-A-G. GRCh37 (hg19) VCF-style: chr1-158815789-A-G.
Other names: short protein forms Q328R.
Identifiers: ClinVar variation 2496895 (VCV002496895.2), dbSNP rs2526088452, ClinGen allele CA343042628.

ClinVar aggregate classification (germline): Uncertain significance (1 of 4 stars; one submission).

gnomAD v4.1: 3 of 1,597,858 alleles (0.00019%); highest among the groups gnomAD compares: Non-Finnish European, 0.00026%; no homozygotes.

Submission:

Ambry Genetics
Classification: Uncertain significance. Last evaluated: 2023-01-08. Review status: criteria provided, single submitter. Criteria: Ambry Variant Classification Scheme 2023. Collection method: clinical testing. Allele origin: germline.
Comment: The p.Q328R variant (also known as c.983A>G), located in coding exon 4 of the MNDA gene, results from an A to G substitution at nucleotide position 983. The glutamine at codon 328 is replaced by arginine, an amino acid with highly similar properties. This amino acid position is conserved. In addition, this alteration is predicted to be tolerated by in silico analysis. Since supporting evidence is limited at this time, the clinical significance of this alteration remains unclear.